The following is an entry in ClinVar:

NM_000428.3(LTBP2):c.3364G>A (p.Gly1122Arg)

Gene: LTBP2 (latent transforming growth factor beta binding protein 2; minus strand). Cytogenetic location: 14q24.3.
Variant type: single nucleotide variant.
Coding change: c.3364G>A on transcript NM_000428.3 (MANE Select); coding-DNA position 3364, G replaced by A.
Protein change: p.Gly1122Arg; replaces glycine 1122 with arginine.
Molecular consequence: missense variant.
Genome position (GRCh38, 1-based): chr14:74,509,277, C>T on the plus strand (G>A on the coding strand, the complement: LTBP2 is on the minus strand). VCF-style: chr14-74509277-C-T. GRCh37 (hg19) VCF-style: chr14-74975980-C-T.
Other names: short protein forms G1122R.
Identifiers: ClinVar variation 2184721 (VCV002184721.2), dbSNP rs1056145057, ClinGen allele CA263584209.

ClinVar aggregate classification (germline): Uncertain significance (1 of 4 stars; one submission).

Allele frequency attached by ClinVar (database versions not stated): gnomAD exomes below 0.00001; TOPMed 0.00001; gnomAD 0.00003.
gnomAD v4.1: 8 of 1,613,540 alleles (0.0005%); highest among the groups gnomAD compares: Non-Finnish European, 0.00068%; no homozygotes.

Submission:

Labcorp Genetics (formerly Invitae), Labcorp
Classification: Uncertain significance. Last evaluated: 2022-03-19. Review status: criteria provided, single submitter. Criteria: Invitae Variant Classification Sherloc (09022015). Collection method: clinical testing. Allele origin: germline.
Comment: In summary, the available evidence is currently insufficient to determine the role of this variant in disease. Therefore, it has been classified as a Variant of Uncertain Significance. Algorithms developed to predict the effect of missense changes on protein structure and function output the following: SIFT: "Tolerated"; PolyPhen-2: "Benign"; Align-GVGD: "Class C0". The arginine amino acid residue is found in multiple mammalian species, which suggests that this missense change does not adversely affect protein function. This variant has not been reported in the literature in individuals affected with LTBP2-related conditions. This variant is present in population databases (no rsID available, gnomAD 0.007%). This sequence change replaces glycine, which is neutral and non-polar, with arginine, which is basic and polar, at codon 1122 of the LTBP2 protein (p.Gly1122Arg).